The following is an entry in ClinVar:

ClinVar aggregate classification (germline): Uncertain significance (1 of 4 stars; one submission).

Allele frequency attached by ClinVar (database versions not stated): ExAC 0.00001; gnomAD exomes 0.00001; TOPMed 0.00001; gnomAD 0.00002.
gnomAD v4.1: 15 of 1,613,898 alleles (0.00093%); highest among the groups gnomAD compares: South Asian, 0.0022%; no homozygotes.

Submission:

Labcorp Genetics (formerly Invitae), Labcorp
Classification: Uncertain significance. Last evaluated: 2025-08-25. Review status: criteria provided, single submitter. Criteria: Invitae Variant Classification Sherloc (09022015). Collection method: clinical testing. Allele origin: germline.
Comment: This sequence change falls in intron 6 of the BACH2 gene. It does not directly change the encoded amino acid sequence of the BACH2 protein. It affects a nucleotide within the consensus splice site. This variant is present in population databases (rs757883472, gnomAD 0.003%). This variant has not been reported in the literature in individuals affected with BACH2-related conditions. ClinVar contains an entry for this variant (Variation ID: 1919878). Variants that disrupt the consensus splice site are a relatively common cause of aberrant splicing (PMID: 17576681, 9536098). Algorithms developed to predict the effect of sequence changes on RNA splicing suggest that this variant is not likely to affect RNA splicing. In summary, the available evidence is currently insufficient to determine the role of this variant in disease. Therefore, it has been classified as a Variant of Uncertain Significance.

Literature cited by the submitters: PubMed 17576681; PubMed 9536098.

NM_021813.4(BACH2):c.243+5A>G

Gene: BACH2 (BACH transcriptional regulator 2; minus strand). Cytogenetic location: 6q15.
Variant type: single nucleotide variant.
Coding change: c.243+5A>G on transcript NM_021813.4 (MANE Select); 5 bases into the intron after coding-DNA position 243, A replaced by G.
Molecular consequence: intron variant.
Genome position (GRCh38, 1-based): chr6:90,008,597, T>C on the plus strand (A>G on the coding strand, the complement: BACH2 is on the minus strand). VCF-style: chr6-90008597-T-C. GRCh37 (hg19) VCF-style: chr6-90718316-T-C.
Other names: c.243+5A>G (NM_001170794.2).
Identifiers: ClinVar variation 1919878 (VCV001919878.5), dbSNP rs757883472, ClinGen allele CA3928213.